The following is an entry in ClinVar:

NM_006947.4(SRP72):c.1930C>G (p.Pro644Ala)

Gene: SRP72 (signal recognition particle 72; plus strand). Cytogenetic location: 4q12.
Variant type: single nucleotide variant.
Coding change: c.1930C>G on transcript NM_006947.4 (MANE Select); coding-DNA position 1930, C replaced by G.
Protein change: p.Pro644Ala; replaces proline 644 with alanine.
Molecular consequence: missense variant. On other transcripts: non-coding transcript variant (1).
Genome position (GRCh38, 1-based): chr4:56,501,775, C>G. VCF-style: chr4-56501775-C-G. GRCh37 (hg19) VCF-style: chr4-57367941-C-G.
Other names: c.1747C>G, p.Pro583Ala (NM_001267722.2); c.1930C>G (NM_006947.3); short protein forms P583A, P644A.
Identifiers: ClinVar variation 2798459 (VCV002798459.4), dbSNP rs1417876848, ClinGen allele CA357003717.

ClinVar aggregate classification (germline): Uncertain significance. Review status: criteria provided, multiple submitters, no conflicts (2 of 4 stars). 2 submissions from 2 submitters: Uncertain significance (2). Last evaluated 2025-03-30.

gnomAD v4.1: 3 of 1,614,036 alleles (0.00019%); highest among the groups gnomAD compares: Admixed American, 0.0017%; no homozygotes.

Submissions (2):

Ambry Genetics
Classification: Uncertain significance. Last evaluated: 2025-03-30. Review status: criteria provided, single submitter. Criteria: Ambry Variant Classification Scheme 2023. Collection method: clinical testing. Allele origin: germline.
Comment: The p.P644A variant (also known as c.1930C>G), located in coding exon 19 of the SRP72 gene, results from a C to G substitution at nucleotide position 1930. The proline at codon 644 is replaced by alanine, an amino acid with highly similar properties. This amino acid position is conserved. In addition, the in silico prediction for this alteration is inconclusive. Based on the available evidence, the clinical significance of this variant remains unclear.

Labcorp Genetics (formerly Invitae), Labcorp
Classification: Uncertain significance. Last evaluated: 2023-06-27. Review status: criteria provided, single submitter. Criteria: Invitae Variant Classification Sherloc (09022015). Collection method: clinical testing. Allele origin: germline.
Comment: In summary, the available evidence is currently insufficient to determine the role of this variant in disease. Therefore, it has been classified as a Variant of Uncertain Significance. An algorithm developed to predict the effect of missense changes on protein structure and function (PolyPhen-2) suggests that this variant is likely to be disruptive. This variant has not been reported in the literature in individuals affected with SRP72-related conditions. This variant is not present in population databases (gnomAD no frequency). This sequence change replaces proline, which is neutral and non-polar, with alanine, which is neutral and non-polar, at codon 644 of the SRP72 protein (p.Pro644Ala).